The following is an entry in ClinVar:

ClinVar aggregate classification (germline): Uncertain significance. Review status: criteria provided, multiple submitters, no conflicts (2 of 4 stars). 2 submissions from 2 submitters: Uncertain significance (2). Last evaluated 2026-06-22.

Conditions:
Inborn genetic diseases. Identifiers: MedGen C0950123, MeSH D030342.

Submissions (2):

Ambry Genetics
Classification: Uncertain significance for Inborn genetic diseases. Last evaluated: 2026-06-22. Review status: criteria provided, single submitter. Criteria: Ambry Variant Classification Scheme 2023. Collection method: clinical testing. Allele origin: germline.
Comment: The p.K3Q variant (also known as c.7A>C), located in coding exon 1 of the SAMD9L gene, results from an A to C substitution at nucleotide position 7. The lysine at codon 3 is replaced by glutamine, an amino acid with similar properties. This amino acid position is conserved. In addition, this alteration is predicted to be tolerated by in silico analysis. Based on the available evidence, the clinical significance of this variant remains unclear.

Labcorp Genetics (formerly Invitae), Labcorp
Classification: Uncertain significance. Last evaluated: 2025-01-06. Review status: criteria provided, single submitter. Criteria: Invitae Variant Classification Sherloc (09022015). Collection method: clinical testing. Allele origin: germline.
Comment: This sequence change replaces lysine, which is basic and polar, with glutamine, which is neutral and polar, at codon 3 of the SAMD9L protein (p.Lys3Gln). This variant is not present in population databases (gnomAD no frequency). This variant has not been reported in the literature in individuals affected with SAMD9L-related conditions. An algorithm developed to predict the effect of missense changes on protein structure and function (PolyPhen-2) suggests that this variant is likely to be tolerated. In summary, the available evidence is currently insufficient to determine the role of this variant in disease. Therefore, it has been classified as a Variant of Uncertain Significance.

NM_152703.5(SAMD9L):c.7A>C (p.Lys3Gln)

Gene: SAMD9L (sterile alpha motif domain containing 9 like; minus strand). Cytogenetic location: 7q21.2.
Variant type: single nucleotide variant.
Coding change: c.7A>C on transcript NM_152703.5 (MANE Select); coding-DNA position 7, A replaced by C.
Protein change: p.Lys3Gln; replaces lysine 3 with glutamine.
Molecular consequence: missense variant.
Genome position (GRCh38, 1-based): chr7:93,135,965, T>G on the plus strand (A>C on the coding strand, the complement: SAMD9L is on the minus strand). VCF-style: chr7-93135965-T-G. GRCh37 (hg19) VCF-style: chr7-92765278-T-G.
Other names: c.7A>C, p.Lys3Gln (NM_001303496.3, NM_001303497.3, NM_001303498.3 and 5 more transcripts); c.7A>C (NM_152703.2); short protein forms K3Q.
Identifiers: ClinVar variation 3651818 (VCV003651818.3).